The following is an entry in ClinVar:

ClinVar aggregate classification (germline): Pathogenic. Review status: criteria provided, single submitter (1 of 4 stars). 2 submissions from 2 submitters: Pathogenic (1). 1 of the submissions does not count toward it. Last evaluated 2025-09-16.

Conditions:
Mucopolysaccharidosis type 7 (MPS7). Also called: MPS VII; SLY SYNDROME; BETA-GLUCURONIDASE DEFICIENCY; GUSB DEFICIENCY. Identifiers: Orphanet 584, MedGen C0085132, MONDO:0009662, OMIM 253220.

Allele frequency attached by ClinVar (database versions not stated): TOPMed 0.00001.

Submissions (2):

Labcorp Genetics (formerly Invitae), Labcorp
Classification: Pathogenic for Mucopolysaccharidosis type 7. Last evaluated: 2025-09-16. Review status: criteria provided, single submitter. Criteria: Invitae Variant Classification Sherloc (09022015). Collection method: clinical testing. Allele origin: germline.
Comment: This sequence change creates a premature translational stop signal (p.Ser35*) in the GUSB gene. It is expected to result in an absent or disrupted protein product. Loss-of-function variants in GUSB are known to be pathogenic (PMID: 19224584). This variant is not present in population databases (gnomAD no frequency). This premature translational stop signal has been observed in individual(s) with Mucopolysaccharidosis VII (PMID: 33897756). ClinVar contains an entry for this variant (Variation ID: 590813). For these reasons, this variant has been classified as Pathogenic.

SingHealth Duke-NUS Institute of Precision Medicine
Classification: Likely pathogenic for Mucopolysaccharidosis type 7. Last evaluated: 2017-06-07. Review status: no assertion criteria provided. Collection method: curation. Allele origin: germline. Affected: no. Not counted in ClinVar's aggregate classification.

Literature cited by the submitters: PubMed 19224584 (cited by Labcorp Genetics (formerly Invitae), Labcorp); PubMed 33897756 (cited by Labcorp Genetics (formerly Invitae), Labcorp).

NM_000181.4(GUSB):c.104C>A (p.Ser35Ter)

Gene: GUSB (glucuronidase beta; minus strand). Cytogenetic location: 7q11.21.
Variant type: single nucleotide variant.
Coding change: c.104C>A on transcript NM_000181.4 (MANE Select); coding-DNA position 104, C replaced by A.
Protein change: p.Ser35Ter; replaces serine 35 with a stop codon.
Molecular consequence: nonsense. On other transcripts: 5 prime UTR variant (2), non-coding transcript variant (1).
Genome position (GRCh38, 1-based): chr7:65,982,080, G>T on the plus strand (C>A on the coding strand, the complement: GUSB is on the minus strand). VCF-style: chr7-65982080-G-T. GRCh37 (hg19) VCF-style: chr7-65447067-G-T.
Other names: c.104C>A, p.Ser35Ter (NM_001284290.2); c.-282C>A (NM_001293104.2); c.-226C>A (NM_001293105.2); short protein forms S35*.
Identifiers: ClinVar variation 590813 (VCV000590813.3), dbSNP rs1238361161, ClinGen allele CA367655216.